The following is an entry in ClinVar:

ClinVar aggregate classification (germline): Likely benign (1 of 4 stars; one submission).

Allele frequency attached by ClinVar (database versions not stated): ExAC 0.00008; gnomAD exomes 0.00008; gnomAD 0.00009; TOPMed 0.00021.

Submission:

CeGaT Center for Human Genetics Tuebingen
Classification: Likely benign. Last evaluated: 2023-03-01. Review status: criteria provided, single submitter. Criteria: CeGaT Center For Human Genetics Tuebingen Variant Classification Criteria Version 2. Collection method: clinical testing. Allele origin: germline. Affected: yes. Observed: 1 variant allele.
Comment: SLC16A8: BP4, BP7

NM_013356.3(SLC16A8):c.1503C>T (p.Ala501=)

Gene: SLC16A8 (solute carrier family 16 member 8; minus strand). Cytogenetic location: 22q13.1.
Variant type: single nucleotide variant.
Coding change: c.1503C>T on transcript NM_013356.3 (MANE Select); coding-DNA position 1503, C replaced by T.
Protein change: p.Ala501=; no amino-acid change (alanine 501 retained).
Molecular consequence: synonymous variant.
Genome position (GRCh38, 1-based): chr22:38,078,400, G>A on the plus strand (C>T on the coding strand, the complement: SLC16A8 is on the minus strand). VCF-style: chr22-38078400-G-A. GRCh37 (hg19) VCF-style: chr22-38474407-G-A.
Other names: c.225C>T, p.Ala75= (NM_001394131.1).
Identifiers: ClinVar variation 2653133 (VCV002653133.24), dbSNP rs750862590, ClinGen allele CA10229466.